The following is an entry in ClinVar:

NM_018136.5(ASPM):c.2509T>C (p.Ser837Pro)

Gene: ASPM (assembly factor for spindle microtubules; minus strand). Cytogenetic location: 1q31.3.
Variant type: single nucleotide variant.
Coding change: c.2509T>C on transcript NM_018136.5 (MANE Select); coding-DNA position 2509, T replaced by C.
Protein change: p.Ser837Pro; replaces serine 837 with proline.
Molecular consequence: missense variant.
Genome position (GRCh38, 1-based): chr1:197,130,035, A>G on the plus strand (T>C on the coding strand, the complement: ASPM is on the minus strand). VCF-style: chr1-197130035-A-G. GRCh37 (hg19) VCF-style: chr1-197099165-A-G.
Other names: c.2509T>C, p.Ser837Pro (NM_001206846.2); short protein forms S837P.
Identifiers: ClinVar variation 294644 (VCV000294644.12), dbSNP rs763288947, ClinGen allele CA1310422.

ClinVar aggregate classification (germline): Conflicting classifications of pathogenicity. Review status: criteria provided, conflicting classifications (1 of 4 stars). 3 submissions from 3 submitters: Uncertain significance (2); Likely benign (1). Last evaluated 2023-01-25.

Conditions:
Inborn genetic diseases. Identifiers: MedGen C0950123, MeSH D030342.
Microcephaly 5, primary, autosomal recessive (MCPH5). Also called: ASPM Primary Microcephaly. Identifiers: Orphanet 2512, MedGen C1837501, MONDO:0012106, OMIM 608716.

Allele frequency attached by ClinVar (database versions not stated): gnomAD 0.00001; gnomAD exomes 0.00001 and 0.00002; TOPMed 0.00001; ExAC 0.00002.
gnomAD v4.1: 15 of 1,613,796 alleles (0.00093%); highest among the groups gnomAD compares: Admixed American, 0.0033%; no homozygotes.

Submissions (3):

Ambry Genetics
Classification: Likely benign for Inborn genetic diseases. Last evaluated: 2023-01-25. Review status: criteria provided, single submitter. Criteria: Ambry Variant Classification Scheme 2023. Collection method: clinical testing. Allele origin: germline.

Labcorp Genetics (formerly Invitae), Labcorp
Classification: Uncertain significance. Last evaluated: 2022-11-15. Review status: criteria provided, single submitter. Criteria: Invitae Variant Classification Sherloc (09022015). Collection method: clinical testing. Allele origin: germline.
Comment: This sequence change replaces serine, which is neutral and polar, with proline, which is neutral and non-polar, at codon 837 of the ASPM protein (p.Ser837Pro). This variant is present in population databases (rs763288947, gnomAD 0.003%). This variant has not been reported in the literature in individuals affected with ASPM-related conditions. ClinVar contains an entry for this variant (Variation ID: 294644). Advanced modeling of protein sequence and biophysical properties (such as structural, functional, and spatial information, amino acid conservation, physicochemical variation, residue mobility, and thermodynamic stability) performed at Invitae indicates that this missense variant is not expected to disrupt ASPM protein function. In summary, the available evidence is currently insufficient to determine the role of this variant in disease. Therefore, it has been classified as a Variant of Uncertain Significance.

Illumina Laboratory Services, Illumina
Classification: Uncertain significance for Microcephaly 5, primary, autosomal recessive. Last evaluated: 2018-01-13. Review status: criteria provided, single submitter. Criteria: ICSL Variant Classification Criteria 13 December 2019. Collection method: clinical testing. Allele origin: germline.